The following is an entry in ClinVar:

ClinVar aggregate classification (germline): Uncertain significance. Review status: criteria provided, multiple submitters, no conflicts (2 of 4 stars). 2 submissions from 2 submitters: Uncertain significance (2). Last evaluated 2023-11-10.

Conditions:
Type II complement component 8 deficiency. Also called: COMPLEMENT C8 DEFICIENCY, TYPE II; C8 BETA DEFICIENCY; C8B DEFICIENCY; COMPLEMENT COMPONENT 8B DEFICIENCY. Identifiers: MedGen C3151080, MONDO:0013421, OMIM 613789.

Allele frequency attached by ClinVar (database versions not stated): gnomAD exomes below 0.00001.
gnomAD v4.1: 3 of 1,613,946 alleles (0.00019%); highest among the groups gnomAD compares: South Asian, 0.0011%; no homozygotes.

Submissions (2):

Labcorp Genetics (formerly Invitae), Labcorp
Classification: Uncertain significance. Last evaluated: 2023-11-10. Review status: criteria provided, single submitter. Criteria: Invitae Variant Classification Sherloc (09022015). Collection method: clinical testing. Allele origin: germline.
Comment: This sequence change replaces alanine, which is neutral and non-polar, with serine, which is neutral and polar, at codon 461 of the C8B protein (p.Ala461Ser). This variant is not present in population databases (gnomAD no frequency). This variant has not been reported in the literature in individuals affected with C8B-related conditions. ClinVar contains an entry for this variant (Variation ID: 2159959). Algorithms developed to predict the effect of missense changes on protein structure and function output the following: SIFT: "Not Available"; PolyPhen-2: "Benign"; Align-GVGD: "Not Available". The serine amino acid residue is found in multiple mammalian species, which suggests that this missense change does not adversely affect protein function. In summary, the available evidence is currently insufficient to determine the role of this variant in disease. Therefore, it has been classified as a Variant of Uncertain Significance.

Neuberg Centre For Genomic Medicine, NCGM
Classification: Uncertain significance for Type II complement component 8 deficiency. Review status: criteria provided, single submitter. Criteria: ACMG Guidelines, 2015. Collection method: clinical testing. Allele origin: germline. Inheritance: Autosomal recessive inheritance. Affected: yes.
Comment: The observed missense c.1381G>T (p.Ala461Ser) variant in C8B gene has not been reported previously as a pathogenic variant nor as a benign variant, to our knowledge. The p.Ala461Ser variant is absent in gnomAD Exomes. This variant has been submitted to the ClinVar database as Uncertain Significance. Multiple lines of computational evidence (Polyphen - Benign, SIFT - Tolerated and MutationTaster - Polymorphism) predict no damaging effect on protein structure and function for this variant. The reference amino acid of p.Ala461Ser in C8B is predicted as conserved by GERP++ and PhyloP across 100 vertebrates. The amino acid Ala at position 461 is changed to a Ser changing protein sequence and it might alter its composition and physico-chemical properties. For these reasons, this variant has been classified as a Variant of Uncertain Significance (VUS).

NM_000066.4(C8B):c.1381G>T (p.Ala461Ser)

Gene: C8B (complement C8 beta chain; minus strand). Cytogenetic location: 1p32.2.
Variant type: single nucleotide variant.
Coding change: c.1381G>T on transcript NM_000066.4 (MANE Select); coding-DNA position 1381, G replaced by T.
Protein change: p.Ala461Ser; replaces alanine 461 with serine.
Molecular consequence: missense variant.
Genome position (GRCh38, 1-based): chr1:56,940,866, C>A on the plus strand (G>T on the coding strand, the complement: C8B is on the minus strand). VCF-style: chr1-56940866-C-A. GRCh37 (hg19) VCF-style: chr1-57406539-C-A.
Other names: c.1225G>T, p.Ala409Ser (NM_001278543.2); c.1195G>T, p.Ala399Ser (NM_001278544.2); short protein forms A409S, A461S, A399S.
Identifiers: ClinVar variation 2159959 (VCV002159959.5), dbSNP rs2101385310, ClinGen allele CA340522010.